The following is an entry in ClinVar:

ClinVar aggregate classification (germline): Uncertain significance (1 of 4 stars; one submission).

gnomAD v4.1: 3 of 1,613,426 alleles (0.00019%); highest among the groups gnomAD compares: African/African-American, 0.0013%; no homozygotes.

Submission:

Labcorp Genetics (formerly Invitae), Labcorp
Classification: Uncertain significance. Last evaluated: 2024-08-22. Review status: criteria provided, single submitter. Criteria: Invitae Variant Classification Sherloc (09022015). Collection method: clinical testing. Allele origin: germline.
Comment: This sequence change replaces arginine, which is basic and polar, with cysteine, which is neutral and slightly polar, at codon 705 of the MYH9 protein (p.Arg705Cys). This variant is not present in population databases (gnomAD no frequency). This variant has not been reported in the literature in individuals affected with MYH9-related conditions. Invitae Evidence Modeling of protein sequence and biophysical properties (such as structural, functional, and spatial information, amino acid conservation, physicochemical variation, residue mobility, and thermodynamic stability) has been performed for this missense variant. However, the output from this modeling did not meet the statistical confidence thresholds required to predict the impact of this variant on MYH9 protein function. This variant disrupts the p.Arg705 amino acid residue in MYH9. Other variant(s) that disrupt this residue have been determined to be pathogenic (PMID: 11023810, 24890873, 25505834). This suggests that this residue is clinically significant, and that variants that disrupt this residue are likely to be disease-causing. In summary, the available evidence is currently insufficient to determine the role of this variant in disease. Therefore, it has been classified as a Variant of Uncertain Significance.

Literature cited by the submitters: PubMed 11023810; PubMed 24890873; PubMed 25505834.

NM_002473.6(MYH9):c.2113C>T (p.Arg705Cys)

Gene: MYH9 (myosin heavy chain 9; minus strand). Cytogenetic location: 22q12.3.
Variant type: single nucleotide variant.
Coding change: c.2113C>T on transcript NM_002473.6 (MANE Select); coding-DNA position 2113, C replaced by T.
Protein change: p.Arg705Cys; replaces arginine 705 with cysteine.
Molecular consequence: missense variant.
Genome position (GRCh38, 1-based): chr22:36,305,976, G>A on the plus strand (C>T on the coding strand, the complement: MYH9 is on the minus strand). VCF-style: chr22-36305976-G-A. GRCh37 (hg19) VCF-style: chr22-36702022-G-A.
Other names: short protein forms R705C.
Identifiers: ClinVar variation 3681633 (VCV003681633.2).